The following is an entry in ClinVar:

NM_001754.5(RUNX1):c.250G>C (p.Asp84His)

Gene: RUNX1 (RUNX family transcription factor 1; minus strand). Cytogenetic location: 21q22.12.
Variant type: single nucleotide variant.
Coding change: c.250G>C on transcript NM_001754.5 (MANE Select); coding-DNA position 250, G replaced by C.
Protein change: p.Asp84His; replaces aspartic acid 84 with histidine.
Molecular consequence: missense variant.
Genome position (GRCh38, 1-based): chr21:34,886,944, C>G on the plus strand (G>C on the coding strand, the complement: RUNX1 is on the minus strand). VCF-style: chr21-34886944-C-G. GRCh37 (hg19) VCF-style: chr21-36259241-C-G.
Other names: c.169G>C, p.Asp57His (NM_001001890.3, NM_001122607.2); short protein forms D57H, D84H.
Identifiers: ClinVar variation 4629717 (VCV004629717.1).
Genomic context (GRCh38, chr21:34,886,944, plus strand): 5'-TAGGCAGCACGGAGCAGAGGAAGTTGGGGCTGTCGGTGCGCACCAGCTCGCCCGGGTGGT[C>G]GGCCAGCACCTCCACCATGCTGCGGTCGCCGCTCCTCAGCTTGCCGGCCAGGGCAGCGCC-3'
Protein context (NP_001745.2, residues 74-94): GDRSMVEVLA[Asp84His]HPGELVRTDS

ClinVar aggregate classification (germline): Uncertain significance (1 of 4 stars; one submission).

Conditions:
Inborn genetic diseases. Identifiers: MedGen C0950123, MeSH D030342.

Submission:

Ambry Genetics
Classification: Uncertain significance for Inborn genetic diseases. Last evaluated: 2025-12-02. Review status: criteria provided, single submitter. Criteria: Ambry Variant Classification Scheme 2023. Collection method: clinical testing. Allele origin: germline.
Comment: The p.D84H variant (also known as c.250G>C), located in coding exon 3 of the RUNX1 gene, results from a G to C substitution at nucleotide position 250. The aspartic acid at codon 84 is replaced by histidine, an amino acid with similar properties. This amino acid position is conserved. In addition, this alteration is predicted to be deleterious by in silico analysis. Based on the available evidence, the clinical significance of this variant remains unclear.